The following is an entry in ClinVar:

NM_198334.3(GANAB):c.539A>G (p.His180Arg)

Gene: GANAB (glucosidase II alpha subunit; minus strand). Cytogenetic location: 11q12.3.
Variant type: single nucleotide variant.
Coding change: c.539A>G on transcript NM_198334.3 (MANE Select); coding-DNA position 539, A replaced by G.
Protein change: p.His180Arg; replaces histidine 180 with arginine.
Molecular consequence: missense variant. On other transcripts: 5 prime UTR variant (2).
Genome position (GRCh38, 1-based): chr11:62,634,842, T>C on the plus strand (A>G on the coding strand, the complement: GANAB is on the minus strand). VCF-style: chr11-62634842-T-C. GRCh37 (hg19) VCF-style: chr11-62402314-T-C.
Other names: c.197A>G, p.His66Arg (NM_001278192.2, NM_001278193.2); c.248A>G, p.His83Arg (NM_001278194.2, NM_001329222.2, NM_001329223.2); c.-238A>G (NM_001329224.2, NM_001329225.2); c.539A>G, p.His180Arg (NM_198335.4); short protein forms H66R, H180R, H83R.
Identifiers: ClinVar variation 4759821 (VCV004759821.1).
Genomic context (GRCh38, chr11:62,634,842, plus strand): 5'-TCACACTAGGTTCCCTGCAGTCCCAACCCCTGTACTCACGAGACCCTAGGGGCCCTCTGA[T>C]GCTCAAACTCCAAGAGTCCTCGGGCATTGACACTAAGCAAAAGACTTCGGTCCTCTAGTA-3'
Protein context (NP_938148.1, residues 170-190): VNARGLLEFE[His180Arg]QRAPRVSQGS

ClinVar aggregate classification (germline): Uncertain significance (1 of 4 stars; one submission).

gnomAD v4.1: 4 of 1,614,074 alleles (0.00025%); highest among the groups gnomAD compares: Non-Finnish European, 0.00025%; no homozygotes.

Submission:

Labcorp Genetics (formerly Invitae), Labcorp
Classification: Uncertain significance. Last evaluated: 2025-04-20. Review status: criteria provided, single submitter. Criteria: Invitae Variant Classification Sherloc (09022015). Collection method: clinical testing. Allele origin: germline.
Comment: This sequence change replaces histidine, which is basic and polar, with arginine, which is basic and polar, at codon 180 of the GANAB protein (p.His180Arg). This variant is present in population databases (no rsID available, gnomAD no frequency). This variant has not been reported in the literature in individuals affected with GANAB-related conditions. Invitae Evidence Modeling of protein sequence and biophysical properties (such as structural, functional, and spatial information, amino acid conservation, physicochemical variation, residue mobility, and thermodynamic stability) indicates that this missense variant is not expected to disrupt GANAB protein function with a negative predictive value of 95%. In summary, the available evidence is currently insufficient to determine the role of this variant in disease. Therefore, it has been classified as a Variant of Uncertain Significance.